The following is an entry in ClinVar:

ClinVar aggregate classification (germline): Uncertain significance. Review status: criteria provided, multiple submitters, no conflicts (2 of 4 stars). 2 submissions from 2 submitters: Uncertain significance (2). Last evaluated 2023-02-05.

Conditions:
Spastic paraplegia. Identifiers: MedGen C0037772, HP:0001258.

Allele frequency attached by ClinVar (database versions not stated): gnomAD 0.00001; TOPMed 0.00003.
gnomAD v4.1: 23 of 1,262,774 alleles (0.0018%); highest among the groups gnomAD compares: Admixed American, 0.0043%; no homozygotes.

Submissions (2):

Mayo Clinic Laboratories, Mayo Clinic
Classification: Uncertain significance. Last evaluated: 2023-02-05. Review status: criteria provided, single submitter. Criteria: ACMG Guidelines, 2015. Collection method: clinical testing. Allele origin: germline. Observed: 1 variant allele.
Comment: BP4, PM2

Labcorp Genetics (formerly Invitae), Labcorp
Classification: Uncertain significance for Spastic paraplegia. Last evaluated: 2021-02-26. Review status: criteria provided, single submitter. Criteria: Invitae Variant Classification Sherloc (09022015). Collection method: clinical testing. Allele origin: germline.
Comment: This sequence change replaces proline with glutamine at codon 10 of the CYP2U1 protein (p.Pro10Gln). The proline residue is weakly conserved and there is a moderate physicochemical difference between proline and glutamine. In summary, the available evidence is currently insufficient to determine the role of this variant in disease. Therefore, it has been classified as a Variant of Uncertain Significance. Algorithms developed to predict the effect of sequence changes on RNA splicing suggest that this variant may create or strengthen a splice site, but this prediction has not been confirmed by published transcriptional studies. Advanced modeling of protein sequence and biophysical properties (such as structural, functional, and spatial information, amino acid conservation, physicochemical variation, residue mobility, and thermodynamic stability) performed at Invitae indicates that this missense variant is not expected to disrupt CYP2U1 protein function. This variant has not been reported in the literature in individuals with CYP2U1-related conditions. The frequency data for this variant in the population databases is considered unreliable, as metrics indicate poor data quality at this position in the ExAC database.

NM_183075.3(CYP2U1):c.29C>A (p.Pro10Gln)

Genes: CYP2U1-AS1 (CYP2U1 and SGMS2 antisense RNA 1; minus strand), CYP2U1 (cytochrome P450 family 2 subfamily U member 1; plus strand). Cytogenetic location: 4q25.
Variant type: single nucleotide variant.
Coding change: c.29C>A on transcript NM_183075.3 (MANE Select); coding-DNA position 29, C replaced by A.
Protein change: p.Pro10Gln; replaces proline 10 with glutamine.
Molecular consequence: missense variant.
Genome position (GRCh38, 1-based): chr4:107,931,672, C>A. VCF-style: chr4-107931672-C-A. GRCh37 (hg19) VCF-style: chr4-108852828-C-A.
Other names: p.Pro10Gln; short protein forms P10Q.
Identifiers: ClinVar variation 1370994 (VCV001370994.9), dbSNP rs752252347, ClinGen allele CA3036956.
Genomic context (GRCh38, chr4:107,931,672, plus strand): 5'-AAGGGGAACCCGAGGCCGCCGGCGCCCGGACCATGTCGTCTCCGGGGCCGTCGCAGCCGC[C>A]GGCCGAGGACCCGCCCTGGCCCGCGCGCCTCCTGCGTGCGCCTCTGGGGCTGCTGCGGCT-3'
Protein context (NP_898898.1, residues 1-20): MSSPGPSQP[Pro10Gln]AEDPPWPARL